The following is an entry in ClinVar:

ClinVar aggregate classification (germline): Uncertain significance (1 of 4 stars; one submission).

Conditions:
Primary dilated cardiomyopathy (DCM). Also called: Dilated Cardiomyopathy. Identifiers: Orphanet 217604, MedGen C0007193, MeSH D002311, MONDO:0005021, HP:0001644. Inheritance: Various modes of inheritance.

Submission:

Labcorp Genetics (formerly Invitae), Labcorp
Classification: Uncertain significance for Primary dilated cardiomyopathy. Last evaluated: 2025-08-26. Review status: criteria provided, single submitter. Criteria: Invitae Variant Classification Sherloc (09022015). Collection method: clinical testing. Allele origin: germline.
Comment: This sequence change replaces glycine, which is neutral and non-polar, with valine, which is neutral and non-polar, at codon 465 of the NEBL protein (p.Gly465Val). This variant is not present in population databases (gnomAD no frequency). This variant has not been reported in the literature in individuals affected with NEBL-related conditions. An algorithm developed to predict the effect of missense changes on protein structure and function (PolyPhen-2) suggests that this variant is likely to be tolerated. In summary, the available evidence is currently insufficient to determine the role of this variant in disease. Therefore, it has been classified as a Variant of Uncertain Significance.

NM_006393.3(NEBL):c.1394G>T (p.Gly465Val)

Gene: NEBL (nebulette; minus strand). Cytogenetic location: 10p12.31.
Variant type: single nucleotide variant.
Coding change: c.1394G>T on transcript NM_006393.3 (MANE Select); coding-DNA position 1394, G replaced by T.
Protein change: p.Gly465Val; replaces glycine 465 with valine.
Molecular consequence: missense variant. On other transcripts: intron variant (9).
Genome position (GRCh38, 1-based): chr10:20,835,568, C>A on the plus strand (G>T on the coding strand, the complement: NEBL is on the minus strand). VCF-style: chr10-20835568-C-A. GRCh37 (hg19) VCF-style: chr10-21124497-C-A.
Other names: c.250-22628G>T (NM_001377326.1, NM_001377327.1, NM_001377328.1); c.358-22628G>T (NM_213569.2, NM_001173484.2, NM_001377322.1); c.301-22628G>T (NM_001377324.1); c.292-22628G>T (NM_001377325.1); c.310-22628G>T (NM_001377323.1); short protein forms G465V.
Identifiers: ClinVar variation 4697725 (VCV004697725.1).
Genomic context (GRCh38, chr10:20,835,568, plus strand): 5'-CTAACCTCACTCGCTATCTCTGCAGCCTTCTTGGCATGCTGCATTTCAAGGGTGTCAGTG[C>A]CAGCTTGCATTCCTTTCCCTTTAATTATTGACTCCAGGTCTTTCTTGTATTCTTTCTGCA-3'
Protein context (NP_006384.1, residues 455-475): SIIKGKGMQA[Gly465Val]TDTLEMQHAK